The following is an entry in ClinVar:

NM_177438.3(DICER1):c.4644G>T (p.Leu1548Phe)

Gene: DICER1 (dicer 1, ribonuclease III; minus strand). Cytogenetic location: 14q32.13.
Variant type: single nucleotide variant.
Coding change: c.4644G>T on transcript NM_177438.3 (MANE Select); coding-DNA position 4644, G replaced by T.
Protein change: p.Leu1548Phe; replaces leucine 1548 with phenylalanine.
Molecular consequence: missense variant. On other transcripts: non-coding transcript variant (6).
Genome position (GRCh38, 1-based): chr14:95,096,276, C>A on the plus strand (G>T on the coding strand, the complement: DICER1 is on the minus strand). VCF-style: chr14-95096276-C-A. GRCh37 (hg19) VCF-style: chr14-95562613-C-A.
Other names: c.4644G>T, p.Leu1548Phe (NM_001195573.1, NM_001271282.3, NM_001291628.2 and 13 more transcripts); c.4362G>T, p.Leu1454Phe (NM_001395686.1); c.4239G>T, p.Leu1413Phe (NM_001395687.1, NM_001395688.1, NM_001395689.1 and 2 more transcripts); c.4077G>T, p.Leu1359Phe (NM_001395691.1); c.2961G>T, p.Leu987Phe (NM_001395697.1); short protein forms L1548F, L1413F, L1359F, L1454F, L987F.
Identifiers: ClinVar variation 1742138 (VCV001742138.2), dbSNP rs1060503619, ClinGen allele CA390867623.

ClinVar aggregate classification (germline): Uncertain significance (1 of 4 stars; one submission).

Conditions:
Hereditary cancer-predisposing syndrome. Also called: Hereditary Cancer Syndrome; Hereditary neoplastic syndrome; Neoplastic Syndromes, Hereditary; Tumor predisposition. Identifiers: Orphanet 140162, MedGen C0027672, MeSH D009386, MONDO:0015356.

Submission:

Ambry Genetics
Classification: Uncertain significance for Hereditary cancer-predisposing syndrome. Last evaluated: 2021-10-29. Review status: criteria provided, single submitter. Criteria: Ambry Variant Classification Scheme 2023. Collection method: clinical testing. Allele origin: germline.
Comment: The p.L1548F variant (also known as c.4644G>T), located in coding exon 22 of the DICER1 gene, results from a G to T substitution at nucleotide position 4644. The leucine at codon 1548 is replaced by phenylalanine, an amino acid with highly similar properties. This amino acid position is highly conserved in available vertebrate species. In addition, the in silico prediction for this alteration is inconclusive. Since supporting evidence is limited at this time, the clinical significance of this alteration remains unclear.